The following is an entry in ClinVar:

ClinVar aggregate classification (germline): Pathogenic (1 of 4 stars; one submission).

Conditions:
Pulmonary fibrosis and/or bone marrow failure, Telomere-related, 1. Also called: PULMONARY FIBROSIS AND/OR BONE MARROW FAILURE SYNDROME, TELOMERE-RELATED, 1. Identifiers: Orphanet 88, MedGen C3553617, MONDO:0013878, OMIM 614742.

Submission:

Victorian Clinical Genetics Services, Murdoch Childrens Research Institute
Classification: Pathogenic for Pulmonary fibrosis and/or bone marrow failure, Telomere-related, 1. Last evaluated: 2026-03-27. Review status: criteria provided, single submitter. Criteria: ACMG Guidelines, 2015. Collection method: clinical testing. Allele origin: germline. Affected: yes.
Comment: This variant is classified as Pathogenic. Evidence in support of pathogenic classification: Variant is predicted to cause nonsense-mediated decay (NMD) and loss of protein (premature termination codon is located at least 54 nucleotides upstream of the final exon-exon junction); Variant is present in gnomAD <0.01 (v4: 7 heterozygote(s), 0 homozygote(s)); Other NMD-predicted variants comparable to the one identified in this case have very strong previous evidence for pathogenicity (DECIPHER). Additional information: This variant is heterozygous; This gene is associated with both recessive and dominant disease. No specific genotype-phenotype correlations have been established (PMID: 20301779); This variant has no previous evidence of pathogenicity; No published evidence of segregation with disease has been identified for this variant; No published functional evidence has been identified for this variant; Loss of function is a known mechanism of disease in this gene and is associated with autosomal dominant dyskeratosis congenita 2, autosomal recessive dyskeratosis congenita 4 (MIM#613989), and telomere-related pulmonary fibrosis and/or bone marrow failure 1 (MIM#614742); Variants in this gene are known to have variable expressivity. Phenotypic variability is well reported for dyskeratosis congenita (OMIM, PMID: 20301779); Inheritance information for this variant is not currently available in this individual.

Literature cited by the submitters: PubMed 20301779.

NM_198253.3(TERT):c.1386del (p.Val461_Tyr462insTer)

Gene: TERT (telomerase reverse transcriptase; minus strand). Cytogenetic location: 5p15.33.
Variant type: Deletion.
Coding change: c.1386del on transcript NM_198253.3 (MANE Select); coding-DNA position 1386, one base deleted (C; older notation c.1386delC).
Protein change: p.Val461_Tyr462insTer.
Molecular consequence: nonsense. On other transcripts: non-coding transcript variant (2).
Genome position (GRCh38, 1-based): chr5:1,293,500, G deleted on the plus strand (C on the coding strand, the reverse complement: TERT is on the minus strand). VCF-style (leftmost placement, unchanged base first): chr5-1293499-CG-C. GRCh37 (hg19) VCF-style: chr5-1293614-CG-C.
Other names: c.1386del, p.Val461_Tyr462insTer (NM_001193376.3).
Identifiers: ClinVar variation 4879729 (VCV004879729.1).